The following is an entry in ClinVar:

ClinVar aggregate classification (germline): Pathogenic. Review status: criteria provided, multiple submitters, no conflicts (2 of 4 stars). 2 submissions from 2 submitters: Pathogenic (2). Last evaluated 2024-01-25.

Conditions:
Hereditary nonpolyposis colorectal neoplasms. Identifiers: MedGen C0009405, MeSH D003123.
Hereditary cancer-predisposing syndrome. Also called: Hereditary neoplastic syndrome; Tumor predisposition; Hereditary Cancer Syndrome; Neoplastic Syndromes, Hereditary. Identifiers: Orphanet 140162, MedGen C0027672, MeSH D009386, MONDO:0015356.

Submissions (2):

Ambry Genetics
Classification: Pathogenic for Hereditary cancer-predisposing syndrome. Last evaluated: 2024-01-25. Review status: criteria provided, single submitter. Criteria: Ambry Variant Classification Scheme 2023. Collection method: clinical testing. Allele origin: germline.
Comment: The p.R721* pathogenic mutation (also known as c.2161A>T), located in coding exon 4 of the MSH6 gene, results from an A to T substitution at nucleotide position 2161. This changes the amino acid from an arginine to a stop codon within coding exon 4. This variant is considered to be rare based on population cohorts in the Genome Aggregation Database (gnomAD). This alteration is expected to result in loss of function by premature protein truncation or nonsense-mediated mRNA decay. As such, this alteration is interpreted as a disease-causing mutation.

Labcorp Genetics (formerly Invitae), Labcorp
Classification: Pathogenic for Hereditary nonpolyposis colorectal neoplasms. Last evaluated: 2021-12-11. Review status: criteria provided, single submitter. Criteria: Invitae Variant Classification Sherloc (09022015). Collection method: clinical testing. Allele origin: germline.
Comment: ClinVar contains an entry for this variant (Variation ID: 1068700). For these reasons, this variant has been classified as Pathogenic. This variant has not been reported in the literature in individuals affected with MSH6-related conditions. This variant is not present in population databases (gnomAD no frequency). This sequence change creates a premature translational stop signal (p.Arg721*) in the MSH6 gene. It is expected to result in an absent or disrupted protein product. Loss-of-function variants in MSH6 are known to be pathogenic (PMID: 18269114, 24362816).

Literature cited by the submitters: PubMed 18269114 (cited by Labcorp Genetics (formerly Invitae), Labcorp); PubMed 24362816 (cited by Labcorp Genetics (formerly Invitae), Labcorp).

NM_000179.3(MSH6):c.2161A>T (p.Arg721Ter)

Gene: MSH6 (mutS homolog 6; plus strand). Cytogenetic location: 2p16.3.
Variant type: single nucleotide variant.
Coding change: c.2161A>T on transcript NM_000179.3 (MANE Select); coding-DNA position 2161, A replaced by T.
Protein change: p.Arg721Ter; replaces arginine 721 with a stop codon.
Molecular consequence: nonsense.
Genome position (GRCh38, 1-based): chr2:47,800,144, A>T. VCF-style: chr2-47800144-A-T. GRCh37 (hg19) VCF-style: chr2-48027283-A-T.
Other names: c.1771A>T, p.Arg591Ter (NM_001281492.2); c.1255A>T, p.Arg419Ter (NM_001281493.2, NM_001281494.2); c.2161A>T (NM_000179.2); short protein forms R419*, R591*, R721*.
Identifiers: ClinVar variation 1068700 (VCV001068700.8), dbSNP rs537604099, ClinGen allele CA346751144.